The following is an entry in ClinVar:

NM_000214.3(JAG1):c.2268_2270del (p.Gly757del)

Gene: JAG1 (jagged canonical Notch ligand 1; minus strand). Cytogenetic location: 20p12.2.
Variant type: Deletion.
Coding change: c.2268_2270del on transcript NM_000214.3 (MANE Select); coding-DNA positions 2268 to 2270, 3 bases deleted (GGG; older notation c.2268_2270delGGG).
Protein change: p.Gly757del; deletes glycine 757.
Molecular consequence: inframe deletion.
Genome position (GRCh38, 1-based): chr20:10,644,937-10,644,939, CCC deleted on the plus strand (GGG on the coding strand, the reverse complement: JAG1 is on the minus strand); deleting any 3 consecutive bases within chr20:10,644,937-10,644,941 gives the same sequence; the c. name uses the placement nearest the transcript's 3' end. VCF-style (leftmost placement, unchanged base first): chr20-10644936-GCCC-G. GRCh37 (hg19) VCF-style: chr20-10625584-GCCC-G.
Other names: short protein forms G757del.
Identifiers: ClinVar variation 2572788 (VCV002572788.2), dbSNP rs886043605, ClinGen allele CA2580615000.

ClinVar aggregate classification (germline): Uncertain significance (1 of 4 stars; one submission).

Submission:

GeneDx
Classification: Uncertain significance. Last evaluated: 2024-03-06. Review status: criteria provided, single submitter. Criteria: GeneDx Variant Classification Process June 2021. Collection method: clinical testing. Allele origin: germline. Affected: yes.
Comment: Not observed at significant frequency in large population cohorts (gnomAD); In-frame deletion of 1 amino acid in a non-repeat region; In silico analysis supports a deleterious effect on protein structure/function; Has not been previously published as pathogenic or benign to our knowledge